The following is an entry in ClinVar:

ClinVar aggregate classification (germline): Conflicting classifications of pathogenicity. Review status: criteria provided, conflicting classifications (1 of 4 stars). 2 submissions from 2 submitters: Uncertain significance (1); Likely benign (1). Last evaluated 2022-09-27.

Conditions:
Inborn genetic diseases. Identifiers: MedGen C0950123, MeSH D030342.

Allele frequency attached by ClinVar (database versions not stated): gnomAD 0.00001 and 0.00003; TOPMed 0.00001; gnomAD exomes 0.00006; ExAC 0.00008; 1000 Genomes Project 30x 0.00016; 1000 Genomes Project 0.00020.
gnomAD v4.1: 69 of 1,613,042 alleles (0.0043%); highest among the groups gnomAD compares: South Asian, 0.035%; no homozygotes.

Submissions (2):

Ambry Genetics
Classification: Likely benign for Inborn genetic diseases. Last evaluated: 2022-09-27. Review status: criteria provided, single submitter. Criteria: Ambry Variant Classification Scheme 2023. Collection method: clinical testing. Allele origin: germline.

Labcorp Genetics (formerly Invitae), Labcorp
Classification: Uncertain significance. Last evaluated: 2022-07-05. Review status: criteria provided, single submitter. Criteria: Invitae Variant Classification Sherloc (09022015). Collection method: clinical testing. Allele origin: germline.
Comment: This sequence change replaces alanine, which is neutral and non-polar, with valine, which is neutral and non-polar, at codon 705 of the SLC9A3 protein (p.Ala705Val). This variant is present in population databases (rs541347122, gnomAD 0.04%). This variant has not been reported in the literature in individuals affected with SLC9A3-related conditions. ClinVar contains an entry for this variant (Variation ID: 1394894). Algorithms developed to predict the effect of missense changes on protein structure and function output the following: SIFT: "Not Available"; PolyPhen-2: "Benign"; Align-GVGD: "Not Available". The valine amino acid residue is found in multiple mammalian species, which suggests that this missense change does not adversely affect protein function. In summary, the available evidence is currently insufficient to determine the role of this variant in disease. Therefore, it has been classified as a Variant of Uncertain Significance.

NM_004174.4(SLC9A3):c.2114C>T (p.Ala705Val)

Genes: SLC9A3 (solute carrier family 9 member A3), SLC9A3-AS1 (SLC9A3 antisense RNA 1; plus strand). Cytogenetic location: 5p15.33.
Variant type: single nucleotide variant.
Coding change: c.2114C>T on transcript NM_004174.4 (MANE Select); coding-DNA position 2114, C replaced by T.
Protein change: p.Ala705Val; replaces alanine 705 with valine.
Molecular consequence: missense variant.
Genome position (GRCh38, 1-based): chr5:476,046, G>A on the plus strand (C>T on the coding strand, the complement: SLC9A3 is on the minus strand). VCF-style: chr5-476046-G-A. GRCh37 (hg19) VCF-style: chr5-476161-G-A.
Other names: c.2087C>T, p.Ala696Val (NM_001284351.3); c.2114C>T (NM_004174.2); short protein forms A696V, A705V.
Identifiers: ClinVar variation 1394894 (VCV001394894.6), dbSNP rs541347122, ClinGen allele CA3175563.